The following is an entry in ClinVar:

ClinVar aggregate classification (germline): Uncertain significance. Review status: criteria provided, multiple submitters, no conflicts (2 of 4 stars). 2 submissions from 2 submitters: Uncertain significance (2). Last evaluated 2024-12-26.

Conditions:
Hereditary breast ovarian cancer syndrome. Also called: Breast and ovarian cancer; Hereditary breast and ovarian cancer; Hereditary breast and ovarian cancer syndrome (HBOC); Hereditary breast and/or ovarian cancer syndrome; Hereditary breast and ovarian cancer syndrome; BRCA1- and BRCA2-Associated Hereditary Breast and Ovarian Cancer. Identifiers: Orphanet 145, MedGen C0677776, MeSH D061325, MONDO:0003582. Disease mechanism: loss of function.

Submissions (2):

Labcorp Genetics (formerly Invitae), Labcorp
Classification: Uncertain significance for Hereditary breast ovarian cancer syndrome. Last evaluated: 2024-12-26. Review status: criteria provided, single submitter. Criteria: Invitae Variant Classification Sherloc (09022015). Collection method: clinical testing. Allele origin: germline.
Comment: This sequence change replaces serine, which is neutral and polar, with proline, which is neutral and non-polar, at codon 3389 of the BRCA2 protein (p.Ser3389Pro). This variant is present in population databases (rs759903048, gnomAD 0.006%). This variant has not been reported in the literature in individuals affected with BRCA2-related conditions. ClinVar contains an entry for this variant (Variation ID: 2574352). Invitae Evidence Modeling of protein sequence and biophysical properties (such as structural, functional, and spatial information, amino acid conservation, physicochemical variation, residue mobility, and thermodynamic stability) indicates that this missense variant is not expected to disrupt BRCA2 protein function with a negative predictive value of 95%. In summary, the available evidence is currently insufficient to determine the role of this variant in disease. Therefore, it has been classified as a Variant of Uncertain Significance.

GeneDx
Classification: Uncertain significance. Last evaluated: 2023-01-26. Review status: criteria provided, single submitter. Criteria: GeneDx Variant Classification Process June 2021. Collection method: clinical testing. Allele origin: germline. Affected: yes.
Comment: Not observed at significant frequency in large population cohorts (gnomAD); In silico analysis supports that this missense variant does not alter protein structure/function; Has not been previously published as pathogenic or benign to our knowledge; Also known as 10393T>C

NM_000059.4(BRCA2):c.10165T>C (p.Ser3389Pro)

Gene: BRCA2 (BRCA2 DNA repair associated; plus strand). Cytogenetic location: 13q13.1.
Variant type: single nucleotide variant.
Coding change: c.10165T>C on transcript NM_000059.4 (MANE Select); coding-DNA position 10165, T replaced by C.
Protein change: p.Ser3389Pro; replaces serine 3389 with proline.
Molecular consequence: missense variant. On other transcripts: non-coding transcript variant (1).
Genome position (GRCh38, 1-based): chr13:32,398,678, T>C. VCF-style: chr13-32398678-T-C. GRCh37 (hg19) VCF-style: chr13-32972815-T-C.
Other names: c.10069T>C, p.Ser3357Pro (NM_001406719.1); c.10114T>C, p.Ser3372Pro (NM_001406720.1); c.5233T>C, p.Ser1745Pro (NM_001406721.1); c.3748T>C, p.Ser1250Pro (NM_001406722.1); short protein forms S1250P, S1745P, S3357P, S3372P, S3389P.
Identifiers: ClinVar variation 2574352 (VCV002574352.4), dbSNP rs759903048, ClinGen allele CA6941477.